The following is an entry in ClinVar:

NM_020778.5(ALPK3):c.702C>A (p.Gly234=)

Gene: ALPK3 (alpha kinase 3; plus strand). Cytogenetic location: 15q25.3.
Variant type: single nucleotide variant.
Coding change: c.702C>A on transcript NM_020778.5 (MANE Select); coding-DNA position 702, C replaced by A.
Protein change: p.Gly234=; no amino-acid change (glycine 234 retained).
Molecular consequence: synonymous variant.
Genome position (GRCh38, 1-based): chr15:84,839,981, C>A. VCF-style: chr15-84839981-C-A. GRCh37 (hg19) VCF-style: chr15-85383212-C-A.
Identifiers: ClinVar variation 1284845 (VCV001284845.15), dbSNP rs376896928, ClinGen allele CA7709052.
Genomic context (GRCh38, chr15:84,839,981, plus strand): 5'-CAAGCTCAGCCCCGACCGCTTCCAGCGAAAGCGGCGATTGAGCGGGGCTCAAGCGCCGGG[C>A]CCCTCGGTCCCTACCAGGGAGCCTGAGGGTGGGACCCTGGCGGCTTGGCAGGAGGGAGAG-3'
Protein context (NP_065829.4, residues 224-244): KRRLSGAQAP[Gly234=]PSVPTREPEG

ClinVar aggregate classification (germline): Likely benign. Review status: criteria provided, multiple submitters, no conflicts (2 of 4 stars). 5 submissions from 5 submitters: Likely benign (2). 3 of the submissions do not count toward it. Last evaluated 2025-07-13.

Conditions:
ALPK3-related disorder. Also called: ALPK3-related condition.
Cardiovascular phenotype. Identifiers: MedGen CN230736.

Allele frequency attached by ClinVar (database versions not stated): gnomAD exomes below 0.00001 and 0.00005; gnomAD 0.00002; TOPMed 0.00002; ExAC 0.00003; ESP Exome Variant Server 0.00015.
gnomAD v4.1: 77 of 1,612,384 alleles (0.0048%); highest among the groups gnomAD compares: Non-Finnish European, 0.0063%; no homozygotes.

Submissions (5):

Labcorp Genetics (formerly Invitae), Labcorp
Classification: Likely benign. Last evaluated: 2025-07-13. Review status: criteria provided, single submitter. Criteria: Invitae Variant Classification Sherloc (09022015). Collection method: clinical testing. Allele origin: germline.

Ambry Genetics
Classification: Likely benign for Cardiovascular phenotype. Last evaluated: 2019-07-08. Review status: criteria provided, single submitter. Criteria: Ambry Variant Classification Scheme 2023. Collection method: clinical testing. Allele origin: germline.

PreventionGenetics, part of Exact Sciences
Classification: Likely benign for ALPK3-related condition. Last evaluated: 2020-08-12. Review status: no assertion criteria provided. Collection method: clinical testing. Allele origin: germline. Not counted in ClinVar's aggregate classification.
Comment: This variant is classified as likely benign based on ACMG/AMP sequence variant interpretation guidelines (Richards et al. 2015 PMID: 25741868, with internal and published modifications).

Clinical Genetics DNA and cytogenetics Diagnostics Lab, Erasmus MC, Erasmus Medical Center
Classification: Likely benign. Review status: no assertion criteria provided. Collection method: clinical testing. Allele origin: germline. Affected: yes. Study: VKGL Data-share Consensus. Not counted in ClinVar's aggregate classification.

Clinical Genetics, Academic Medical Center
Classification: Benign. Review status: no assertion criteria provided. Collection method: clinical testing. Allele origin: germline. Affected: yes. Study: VKGL Data-share Consensus. Not counted in ClinVar's aggregate classification.